The following is an entry in ClinVar:

ClinVar aggregate classification (germline): Likely benign (1 of 4 stars; one submission).

Allele frequency attached by ClinVar (database versions not stated): 1000 Genomes Project 0.00060; 1000 Genomes Project 30x 0.00062.

Submission:

CeGaT Center for Human Genetics Tuebingen
Classification: Likely benign. Last evaluated: 2024-09-01. Review status: criteria provided, single submitter. Criteria: CeGaT Center For Human Genetics Tuebingen Variant Classification Criteria Version 2. Collection method: clinical testing. Allele origin: germline. Affected: yes. Observed: 9 variant alleles.
Comment: TRAPPC9: BS2

NM_001160372.4(TRAPPC9):c.2557-70820G>A

Genes: PEG13 (paternally expressed 13; minus strand), TRAPPC9 (trafficking protein particle complex subunit 9; minus strand). Cytogenetic location: 8q24.3.
Variant type: single nucleotide variant.
Coding change: c.2557-70820G>A on transcript NM_001160372.4 (MANE Select); 70820 bases into the intron before coding-DNA position 2557, G replaced by A.
Molecular consequence: intron variant. On other transcripts: non-coding transcript variant (1).
Genome position (GRCh38, 1-based): chr8:140,094,899, C>T on the plus strand (G>A on the coding strand, the complement: TRAPPC9 is on the minus strand). VCF-style: chr8-140094899-C-T. GRCh37 (hg19) VCF-style: chr8-141104998-C-T.
Other names: c.2557-70820G>A (NM_031466.8, NM_001374683.1); c.2530-70820G>A (NM_001321646.2); c.2413-70820G>A (NM_001374684.1); c.2578-70820G>A (NM_001374682.1).
Identifiers: ClinVar variation 2658857 (VCV002658857.24), dbSNP rs539919442, ClinGen allele CA12887271.